The following is an entry in ClinVar:

NM_005732.4(RAD50):c.204C>T (p.His68=)

Gene: RAD50 (RAD50 double strand break repair protein; plus strand). Cytogenetic location: 5q31.1.
Variant type: single nucleotide variant.
Coding change: c.204C>T on transcript NM_005732.4 (MANE Select); coding-DNA position 204, C replaced by T.
Protein change: p.His68=; no amino-acid change (histidine 68 retained).
Molecular consequence: synonymous variant.
Genome position (GRCh38, 1-based): chr5:132,559,358, C>T. VCF-style: chr5-132559358-C-T. GRCh37 (hg19) VCF-style: chr5-131895050-C-T.
Identifiers: ClinVar variation 184336 (VCV000184336.92), dbSNP rs28903084, ClinGen allele CA188651.

ClinVar aggregate classification (germline): Conflicting classifications of pathogenicity. Review status: criteria provided, conflicting classifications (1 of 4 stars). 7 submissions from 7 submitters: Uncertain significance (1); Benign (1); Likely benign (4). 1 of the submissions does not count toward it. Last evaluated 2025-08-11.

Conditions:
Hereditary cancer-predisposing syndrome. Also called: Tumor predisposition; Neoplastic Syndromes, Hereditary; Hereditary Cancer Syndrome; Hereditary neoplastic syndrome. Identifiers: Orphanet 140162, MedGen C0027672, MeSH D009386, MONDO:0015356.
Nijmegen breakage syndrome-like disorder (NBSLD). Also called: MICROCEPHALY AND SPONTANEOUS CHROMOSOME INSTABILITY WITHOUT IMMUNODEFICIENCY; NBS-LIKE DISORDER; RAD50 DEFICIENCY. Identifiers: Orphanet 240760, MedGen C2751318, MONDO:0013118, OMIM 613078.

Allele frequency attached by ClinVar (database versions not stated): gnomAD 0.00010; gnomAD exomes 0.00010 and 0.00012; TOPMed 0.00010; ExAC 0.00011.
gnomAD v4.1: 190 of 1,607,832 alleles (0.012%); highest among the groups gnomAD compares: Non-Finnish European, 0.014%; no homozygotes.

Submissions (7):

Labcorp Genetics (formerly Invitae), Labcorp
Classification: Likely benign for Hereditary cancer-predisposing syndrome. Last evaluated: 2025-08-11. Review status: criteria provided, single submitter. Criteria: Invitae Variant Classification Sherloc (09022015). Collection method: clinical testing. Allele origin: germline.

CeGaT Center for Human Genetics Tuebingen
Classification: Likely benign. Last evaluated: 2025-02-01. Review status: criteria provided, single submitter. Criteria: CeGaT Center For Human Genetics Tuebingen Variant Classification Criteria Version 2. Collection method: clinical testing. Allele origin: germline. Affected: yes. Observed: 6 variant alleles.
Comment: RAD50: BP4, BP7

Quest Diagnostics Nichols Institute San Juan Capistrano
Classification: Uncertain significance. Last evaluated: 2024-07-29. Review status: criteria provided, single submitter. Criteria: Quest Diagnostics criteria. Collection method: clinical testing. Allele origin: unknown.
Comment: The RAD50 c.204C>T (p.His68=) synonymous variant has not been reported in individuals with RAD50-related conditions in the published literature. The frequency of this variant in the general population, 0.00018 (9/50606 chromosomes (Genome Aggregation Database)), is uninformative in the assessment of its pathogenicity. Analysis of this variant using software algorithms for the prediction of the effect of nucleotide changes on splicing yielded predictions that this variant does not affect RAD50 mRNA splicing. Based on the available information, we are unable to determine the clinical significance of this variant.

Blueprint Genetics
Classification: Likely benign. Last evaluated: 2024-05-29. Review status: criteria provided, single submitter. Criteria: ACMG Guidelines, 2015. Collection method: clinical testing. Allele origin: germline.

Women's Health and Genetics/Laboratory Corporation of America, LabCorp
Classification: Benign. Last evaluated: 2022-11-17. Review status: criteria provided, single submitter. Criteria: LabCorp Variant Classification Summary - May 2015. Collection method: clinical testing. Allele origin: germline.

Ambry Genetics
Classification: Likely benign for Hereditary cancer-predisposing syndrome. Last evaluated: 2015-01-08. Review status: criteria provided, single submitter. Criteria: Ambry Variant Classification Scheme 2023. Collection method: clinical testing. Allele origin: germline.

Counsyl
Classification: Likely benign for Nijmegen breakage syndrome-like disorder. Last evaluated: 2018-03-26. Review status: no assertion criteria provided. Collection method: clinical testing. Allele origin: unknown. Not counted in ClinVar's aggregate classification.

Literature cited by the submitters: PubMed 14684699 (cited by Counsyl); PubMed 16385572 (cited by Counsyl).